The following is an entry in ClinVar:

NM_014391.3(ANKRD1):c.739G>A (p.Ala247Thr)

Gene: ANKRD1 (ankyrin repeat domain 1; minus strand). Cytogenetic location: 10q23.31.
Variant type: single nucleotide variant.
Coding change: c.739G>A on transcript NM_014391.3 (MANE Select); coding-DNA position 739, G replaced by A.
Protein change: p.Ala247Thr; replaces alanine 247 with threonine.
Molecular consequence: missense variant.
Genome position (GRCh38, 1-based): chr10:90,915,793, C>T on the plus strand (G>A on the coding strand, the complement: ANKRD1 is on the minus strand). VCF-style: chr10-90915793-C-T. GRCh37 (hg19) VCF-style: chr10-92675550-C-T.
Other names: short protein forms A247T.
Identifiers: ClinVar variation 3774911 (VCV003774911.2).

ClinVar aggregate classification (germline): Uncertain significance (1 of 4 stars; one submission).

Submission:

GeneDx
Classification: Uncertain significance. Last evaluated: 2026-08-05. Review status: criteria provided, single submitter. Criteria: GeneDx Variant Classification Process June 2021. Collection method: clinical testing. Allele origin: germline.
Comment: In silico analysis suggests that this missense variant does not alter protein structure/function; Has not been previously published as pathogenic or benign to our knowledge; Variants in candidate genes are classified as variants of uncertain significance in accordance with ACMG guidelines (PMID: 25741868)